The following is an entry in ClinVar:

ClinVar aggregate classification (germline): Likely pathogenic (1 of 4 stars; one submission).

Allele frequency attached by ClinVar (database versions not stated): gnomAD exomes below 0.00001.
gnomAD v4.1: 3 of 1,612,076 alleles (0.00019%); highest among the groups gnomAD compares: Non-Finnish European, 0.00025%; no homozygotes.

Submission:

Labcorp Genetics (formerly Invitae), Labcorp
Classification: Likely pathogenic. Last evaluated: 2020-06-18. Review status: criteria provided, single submitter. Criteria: Invitae Variant Classification Sherloc (09022015). Collection method: clinical testing. Allele origin: germline.
Comment: This sequence change affects an acceptor splice site in intron 10 of the SLC12A3 gene. It is expected to disrupt RNA splicing and likely results in an absent or disrupted protein product. This variant is not present in population databases (ExAC no frequency). Disruption of this splice site has been observed in individual(s) with Gitelman syndrome (PMID: 21415153). Algorithms developed to predict the effect of sequence changes on RNA splicing suggest that this variant may disrupt the consensus splice site, but this prediction has not been confirmed by published transcriptional studies. Donor and acceptor splice site variants typically lead to a loss of protein function (PMID: 16199547), and loss-of-function variants in SLC12A3 are known to be pathogenic (PMID: 20848653, 22009145, 25841442). In summary, the currently available evidence indicates that the variant is pathogenic, but additional data are needed to prove that conclusively. Therefore, this variant has been classified as Likely Pathogenic.

Literature cited by the submitters: PubMed 21415153; PubMed 16199547; PubMed 20848653; PubMed 22009145; PubMed 25841442.

NM_001126108.2(SLC12A3):c.1336-1G>A

Gene: SLC12A3 (solute carrier family 12 member 3; plus strand). Cytogenetic location: 16q13.
Variant type: single nucleotide variant.
Coding change: c.1336-1G>A on transcript NM_001126108.2 (MANE Select); the canonical splice acceptor site of the intron before coding-DNA position 1336, G replaced by A.
Molecular consequence: splice acceptor variant.
Genome position (GRCh38, 1-based): chr16:56,879,541, G>A. VCF-style: chr16-56879541-G-A. GRCh37 (hg19) VCF-style: chr16-56913453-G-A.
Other names: c.1336-1G>A (NM_000339.3); c.1333-1G>A (NM_001126107.2, NM_001410896.1).
Identifiers: ClinVar variation 1067865 (VCV001067865.9), dbSNP rs2144712491, ClinGen allele CA395987169.